The following is an entry in ClinVar:

ClinVar aggregate classification (germline): Pathogenic. Review status: criteria provided, multiple submitters, no conflicts (2 of 4 stars). 2 submissions from 2 submitters: Pathogenic (2). Last evaluated 2025-08-25.

Conditions:
Retinal dystrophy. Also called: Inherited retinal dystrophy. Identifiers: Orphanet 71862, MedGen C0854723, MeSH D058499, MONDO:0019118, HP:0000556.

Submissions (2):

Labcorp Genetics (formerly Invitae), Labcorp
Classification: Pathogenic. Last evaluated: 2025-08-25. Review status: criteria provided, single submitter. Criteria: Invitae Variant Classification Sherloc (09022015). Collection method: clinical testing. Allele origin: germline.
Comment: This sequence change creates a premature translational stop signal (p.Gln273*) in the CHM gene. It is expected to result in an absent or disrupted protein product. Loss-of-function variants in CHM are known to be pathogenic (PMID: 9067750, 23811034). This variant is not present in population databases (gnomAD no frequency). This premature translational stop signal has been observed in individual(s) with choroideremia (PMID: 20027300). ClinVar contains an entry for this variant (Variation ID: 1073121). For these reasons, this variant has been classified as Pathogenic.

Institute of Human Genetics, Univ. Regensburg, Univ. Regensburg
Classification: Pathogenic for Retinal dystrophy. Last evaluated: 2012-01-01. Review status: criteria provided, single submitter. Criteria: ACMG Guidelines, 2015. Collection method: clinical testing. Allele origin: germline. Affected: yes.

Literature cited by the submitters: PubMed 9067750 (cited by Labcorp Genetics (formerly Invitae), Labcorp); PubMed 23811034 (cited by Labcorp Genetics (formerly Invitae), Labcorp); PubMed 20027300 (cited by Labcorp Genetics (formerly Invitae), Labcorp and Institute of Human Genetics, Univ. Regensburg, Univ. Regensburg); PubMed 2552515 (cited by Institute of Human Genetics, Univ. Regensburg, Univ. Regensburg).

NM_000390.4(CHM):c.817C>T (p.Gln273Ter)

Gene: CHM (CHM Rab escort protein; minus strand). Cytogenetic location: Xq21.2.
Variant type: single nucleotide variant.
Coding change: c.817C>T on transcript NM_000390.4 (MANE Select); coding-DNA position 817, C replaced by T.
Protein change: p.Gln273Ter; replaces glutamine 273 with a stop codon.
Molecular consequence: nonsense.
Genome position (GRCh38, 1-based): chrX:85,958,863, G>A on the plus strand (C>T on the coding strand, the complement: CHM is on the minus strand). VCF-style: chrX-85958863-G-A. GRCh37 (hg19) VCF-style: chrX-85213868-G-A.
Other names: c.373C>T, p.Gln125Ter (NM_001320959.1, NM_001362517.1, NM_001362518.2 and 1 more transcripts); short protein forms Q125*, Q273*.
Identifiers: ClinVar variation 1073121 (VCV001073121.10), dbSNP rs2147667288, ClinGen allele CA413785950.
Genomic context (GRCh38, chrX:85,958,863, plus strand): 5'-AAACAAACCATAATAACTTAAGCTGATGCCCAGTTACAATTCTTGATCAGCACAGTACCT[G>A]TTCCACTCGTCCTTCTCGAAATGCAAGAATCCTGGTAATATTTTTAAACTCTGCATATCG-3'